The following is an entry in ClinVar:

ClinVar aggregate classification (germline): Benign/Likely benign. Review status: criteria provided, multiple submitters, no conflicts (2 of 4 stars). 10 submissions from 10 submitters: Benign (3); Likely benign (7). Last evaluated 2025-10-29.

Conditions:
Ovarian cancer. Also called: OVARIAN CANCER, SOMATIC. Identifiers: Orphanet 213500, MedGen C1140680, MONDO:0008170, OMIM 167000.
Familial cancer of breast. Also called: hereditary breast carcinoma; BREAST CANCER, FAMILIAL; Hereditary breast cancer. Identifiers: Orphanet 227535, MedGen C0346153, MONDO:0016419, OMIM 114480. Disease mechanism: loss of function.
Hereditary cancer-predisposing syndrome. Also called: Tumor predisposition; Neoplastic Syndromes, Hereditary; Hereditary Cancer Syndrome; Hereditary neoplastic syndrome. Identifiers: Orphanet 140162, MedGen C0027672, MeSH D009386, MONDO:0015356.
Hereditary diffuse gastric adenocarcinoma (HDGC). Also called: DIFFUSE GASTRIC AND LOBULAR BREAST CANCER SYNDROME. Identifiers: Orphanet 26106, MedGen C1708349, MONDO:0007648, OMIM 137215.

Allele frequency attached by ClinVar (database versions not stated): ExAC 0.00001; gnomAD exomes 0.00001; TOPMed 0.00002; gnomAD 0.00003.
gnomAD v4.1: 20 of 1,614,150 alleles (0.0012%); highest among the groups gnomAD compares: African/African-American, 0.0067%; no homozygotes.

Submissions (10):

Labcorp Genetics (formerly Invitae), Labcorp
Classification: Likely benign for Hereditary diffuse gastric adenocarcinoma. Last evaluated: 2025-10-29. Review status: criteria provided, single submitter. Criteria: Invitae Variant Classification Sherloc (09022015). Collection method: clinical testing. Allele origin: germline.

Blueprint Genetics
Classification: Likely benign. Last evaluated: 2024-10-09. Review status: criteria provided, single submitter. Criteria: ACMG Guidelines, 2015. Collection method: clinical testing. Allele origin: germline.

Myriad Genetics, Inc.
Classification: Benign for Hereditary diffuse gastric adenocarcinoma. Last evaluated: 2024-09-24. Review status: criteria provided, single submitter. Criteria: Myriad Autosomal Dominant, Autosomal Recessive and X-Linked Classification Criteria (2023). Collection method: clinical testing. Allele origin: unknown.
Comment: This variant is considered benign. This variant is a silent/synonymous amino acid change and it is not expected to impact splicing.

CeGaT Center for Human Genetics Tuebingen
Classification: Likely benign. Last evaluated: 2024-05-01. Review status: criteria provided, single submitter. Criteria: CeGaT Center For Human Genetics Tuebingen Variant Classification Criteria Version 2. Collection method: clinical testing. Allele origin: germline. Affected: yes. Observed: 1 variant allele.
Comment: CDH1: BP4, BP7

Department of Pathology and Laboratory Medicine, Sinai Health System
Classification: Likely benign for Familial cancer of breast; Ovarian cancer. Last evaluated: 2022-03-22. Review status: criteria provided, single submitter. Criteria: ACMG Guidelines, 2015. Collection method: clinical testing. Allele origin: germline. Affected: yes.

Sema4
Classification: Likely benign for Hereditary cancer-predisposing syndrome. Last evaluated: 2021-11-06. Review status: criteria provided, single submitter. Criteria: Sema4 Curation Guidelines. Collection method: curation. Allele origin: germline.

Quest Diagnostics Nichols Institute San Juan Capistrano
Classification: Benign. Last evaluated: 2018-01-03. Review status: criteria provided, single submitter. Criteria: Quest Diagnostics criteria. Collection method: clinical testing. Allele origin: germline.

Color Diagnostics, LLC DBA Color Health
Classification: Likely benign for Hereditary cancer-predisposing syndrome. Last evaluated: 2017-10-29. Review status: criteria provided, single submitter. Criteria: ACMG Guidelines, 2015. Collection method: clinical testing. Allele origin: germline.

Ambry Genetics
Classification: Likely benign for Hereditary cancer-predisposing syndrome. Last evaluated: 2016-01-04. Review status: criteria provided, single submitter. Criteria: Ambry Variant Classification Scheme 2023. Collection method: clinical testing. Allele origin: germline.

GeneDx
Classification: Benign. Last evaluated: 2015-08-11. Review status: criteria provided, single submitter. Criteria: GeneDx Variant Classification (06012015). Collection method: clinical testing. Allele origin: germline. Affected: yes.
Comment: This variant is considered likely benign or benign based on one or more of the following criteria: it is a conservative change, it occurs at a poorly conserved position in the protein, it is predicted to be benign by multiple in silico algorithms, and/or has population frequency not consistent with disease.

Literature cited by the submitters: PubMed 26123647 (cited by Sema4).

NM_004360.5(CDH1):c.2514C>T (p.Ser838=)

Gene: CDH1 (cadherin 1; plus strand). Cytogenetic location: 16q22.1.
Variant type: single nucleotide variant.
Coding change: c.2514C>T on transcript NM_004360.5 (MANE Select); coding-DNA position 2514, C replaced by T.
Protein change: p.Ser838=; no amino-acid change (serine 838 retained).
Molecular consequence: synonymous variant.
Genome position (GRCh38, 1-based): chr16:68,833,364, C>T. VCF-style: chr16-68833364-C-T. GRCh37 (hg19) VCF-style: chr16-68867267-C-T.
Other names: c.2514C>T (LRG_301t1); c.2331C>T, p.Ser777= (NM_001317184.2); c.966C>T, p.Ser322= (NM_001317185.2); c.549C>T, p.Ser183= (NM_001317186.2).
Identifiers: ClinVar variation 184105 (VCV000184105.43), dbSNP rs770974998, ClinGen allele CA187798.
Genomic context (GRCh38, chr16:68,833,364, plus strand): 5'-TGATACTGACCCCACAGCCCCGCCTTATGATTCTCTGCTCGTGTTTGACTATGAAGGAAG[C>T]GGTTCCGAAGCTGCTAGTCTGAGCTCCCTGAACTCCTCAGAGTCAGACAAAGACCAGGAC-3'
Protein context (NP_004351.1, residues 828-848): DSLLVFDYEG[Ser838=]GSEAASLSSL